The following is an entry in ClinVar:

ClinVar aggregate classification (germline): Uncertain significance. Review status: criteria provided, multiple submitters, no conflicts (2 of 4 stars). 2 submissions from 2 submitters: Uncertain significance (2). Last evaluated 2026-04-09.

Conditions:
ZFYVE19-related disorder. Also called: ZFYVE19-related condition.

Allele frequency attached by ClinVar (database versions not stated): 1000 Genomes Project 30x 0.00016; 1000 Genomes Project 0.00020.
gnomAD v4.1: 35 of 1,612,858 alleles (0.0022%); highest among the groups gnomAD compares: African/African-American, 0.037%; no homozygotes.

Submissions (2):

PreventionGenetics, part of Exact Sciences
Classification: Uncertain significance for ZFYVE19-related condition. Last evaluated: 2026-04-09. Review status: criteria provided, single submitter. Criteria: ACMG Guidelines, 2015. Collection method: clinical testing. Allele origin: germline.
Comment: The ZFYVE19 c.26C>G variant is predicted to result in the amino acid substitution p.Pro9Arg. To our knowledge, this variant has not been reported in the literature. This variant is reported in 0.039% of alleles in individuals of African descent in gnomAD. At this time, the clinical significance of this variant is uncertain due to the absence of conclusive functional and genetic evidence.

Ambry Genetics
Classification: Uncertain significance. Last evaluated: 2023-07-30. Review status: criteria provided, single submitter. Criteria: Ambry Variant Classification Scheme 2023. Collection method: clinical testing. Allele origin: germline.

NM_001077268.2(ZFYVE19):c.26C>G (p.Pro9Arg)

Gene: ZFYVE19 (zinc finger FYVE-type containing 19; plus strand). Cytogenetic location: 15q15.1.
Variant type: single nucleotide variant.
Coding change: c.26C>G on transcript NM_001077268.2 (MANE Select); coding-DNA position 26, C replaced by G.
Protein change: p.Pro9Arg; replaces proline 9 with arginine.
Molecular consequence: missense variant. On other transcripts: 5 prime UTR variant (1), intron variant (1).
Genome position (GRCh38, 1-based): chr15:40,807,615, C>G. VCF-style: chr15-40807615-C-G. GRCh37 (hg19) VCF-style: chr15-41099813-C-G.
Other names: c.26C>G, p.Pro9Arg (NM_001258420.2); c.-303C>G (NM_001258421.2); c.125+202C>G (NM_032850.5); short protein forms P9R.
Identifiers: ClinVar variation 2591435 (VCV002591435.3), dbSNP rs534190263, ClinGen allele CA7485412.